The following is an entry in ClinVar:

ClinVar aggregate classification (germline): Uncertain significance (1 of 4 stars; one submission).

Submission:

Labcorp Genetics (formerly Invitae), Labcorp
Classification: Uncertain significance. Last evaluated: 2024-08-10. Review status: criteria provided, single submitter. Criteria: Invitae Variant Classification Sherloc (09022015). Collection method: clinical testing. Allele origin: germline.
Comment: This sequence change replaces tryptophan, which is neutral and slightly polar, with arginine, which is basic and polar, at codon 1145 of the NLRP1 protein (p.Trp1145Arg). This variant is not present in population databases (gnomAD no frequency). This variant has not been reported in the literature in individuals affected with NLRP1-related conditions. An algorithm developed to predict the effect of missense changes on protein structure and function (PolyPhen-2) suggests that this variant is likely to be disruptive. In summary, the available evidence is currently insufficient to determine the role of this variant in disease. Therefore, it has been classified as a Variant of Uncertain Significance.

NM_033004.4(NLRP1):c.3433T>C (p.Trp1145Arg)

Gene: NLRP1 (NLR family pyrin domain containing 1; minus strand). Cytogenetic location: 17p13.2.
Variant type: single nucleotide variant.
Coding change: c.3433T>C on transcript NM_033004.4 (MANE Select); coding-DNA position 3433, T replaced by C.
Protein change: p.Trp1145Arg; replaces tryptophan 1145 with arginine.
Molecular consequence: missense variant.
Genome position (GRCh38, 1-based): chr17:5,530,568, A>G on the plus strand (T>C on the coding strand, the complement: NLRP1 is on the minus strand). VCF-style: chr17-5530568-A-G. GRCh37 (hg19) VCF-style: chr17-5433888-A-G.
Other names: c.3445T>C, p.Trp1149Arg (NM_001033053.3); c.3433T>C, p.Trp1145Arg (NM_014922.5); c.3343T>C, p.Trp1115Arg (NM_033006.4, NM_033007.4); short protein forms W1145R, W1149R, W1115R.
Identifiers: ClinVar variation 3661907 (VCV003661907.2).
Genomic context (GRCh38, chr17:5,530,568, plus strand): 5'-GCACAGCTTCCACAGCTCCAGGCTCAGCCTTGATGTCCAGCAGAGGCCCTGCCACCATCC[A>G]GCTGTGCTGTGGGTTGATCTCACCCAGGAACTGGTCCCACACACAGAATTCAATCTCAAC-3'
Protein context (NP_127497.1, residues 1135-1155): FLGEINPQHS[Trp1145Arg]MVAGPLLDIK